The following is an entry in ClinVar:

ClinVar aggregate classification (germline): Likely benign. Review status: criteria provided, multiple submitters, no conflicts (2 of 4 stars). 2 submissions from 2 submitters: Likely benign (2). Last evaluated 2026-08-24.

Conditions:
EP300-related disorder. Also called: EP300-related condition; EP300-related disorders.
Rubinstein-Taybi syndrome due to EP300 haploinsufficiency. Also called: EP300-Related Rubinstein-Taybi Syndrome; RUBINSTEIN-TAYBI SYNDROME 2. Identifiers: Orphanet 353284, Orphanet 783, MedGen C3150941, MONDO:0013364, OMIM 613684.

Allele frequency attached by ClinVar (database versions not stated): ExAC 0.00001; TOPMed 0.00002; gnomAD 0.00006.
gnomAD v4.1: 18 of 1,613,778 alleles (0.0011%); highest among the groups gnomAD compares: African/African-American, 0.004%; no homozygotes.

Submissions (2):

PreventionGenetics, part of Exact Sciences
Classification: Likely benign for EP300-related condition. Last evaluated: 2026-08-24. Review status: criteria provided, single submitter. Criteria: ACMG Guidelines, 2015. Collection method: clinical testing. Allele origin: germline.
Comment: This variant is classified as likely benign based on ACMG/AMP sequence variant interpretation guidelines (Richards et al. 2015 PMID: 25741868, with internal and published modifications).

Labcorp Genetics (formerly Invitae), Labcorp
Classification: Likely benign for Rubinstein-Taybi syndrome due to EP300 haploinsufficiency. Last evaluated: 2025-03-18. Review status: criteria provided, single submitter. Criteria: Invitae Variant Classification Sherloc (09022015). Collection method: clinical testing. Allele origin: germline.

NM_001429.4(EP300):c.2629G>A (p.Ala877Thr)

Gene: EP300 (EP300 lysine acetyltransferase; plus strand). Cytogenetic location: 22q13.2.
Variant type: single nucleotide variant.
Coding change: c.2629G>A on transcript NM_001429.4 (MANE Select); coding-DNA position 2629, G replaced by A.
Protein change: p.Ala877Thr; replaces alanine 877 with threonine.
Molecular consequence: missense variant.
Genome position (GRCh38, 1-based): chr22:41,150,010, G>A. VCF-style: chr22-41150010-G-A. GRCh37 (hg19) VCF-style: chr22-41546014-G-A.
Other names: c.2551G>A, p.Ala851Thr (NM_001362843.2); short protein forms A877T, A851T.
Identifiers: ClinVar variation 4737058 (VCV004737058.2), dbSNP rs772289466.